The following is an entry in ClinVar:

NM_006944.3(SPP2):c.210+2T>G

Gene: SPP2 (secreted phosphoprotein 2; plus strand). Cytogenetic location: 2q37.1.
Variant type: single nucleotide variant.
Coding change: c.210+2T>G on transcript NM_006944.3 (MANE Select); the canonical splice donor site of the intron after coding-DNA position 210, T replaced by G.
Molecular consequence: splice donor variant.
Genome position (GRCh38, 1-based): chr2:234,051,097, T>G. VCF-style: chr2-234051097-T-G. GRCh37 (hg19) VCF-style: chr2-234959741-T-G.
Identifiers: ClinVar variation 1973995 (VCV001973995.5), dbSNP rs779648916, ClinGen allele CA351100236.

ClinVar aggregate classification (germline): Uncertain significance (1 of 4 stars; one submission).

gnomAD v4.1: 1 of 1,613,018 alleles (0.000062%); highest among the groups gnomAD compares: Non-Finnish European, 0.000085%; no homozygotes.

Submission:

Labcorp Genetics (formerly Invitae), Labcorp
Classification: Uncertain significance. Last evaluated: 2022-03-27. Review status: criteria provided, single submitter. Criteria: Invitae Variant Classification Sherloc (09022015). Collection method: clinical testing. Allele origin: germline.
Comment: In summary, the available evidence is currently insufficient to determine the role of this variant in disease. Therefore, it has been classified as a Variant of Uncertain Significance. Algorithms developed to predict the effect of sequence changes on RNA splicing suggest that this variant may disrupt the consensus splice site. This variant has not been reported in the literature in individuals affected with SPP2-related conditions. This variant is not present in population databases (gnomAD no frequency). This sequence change affects a donor splice site in intron 2 of the SPP2 gene. It is expected to disrupt RNA splicing. Variants that disrupt the donor or acceptor splice site typically lead to a loss of protein function (PMID: 16199547), however the current clinical and genetic evidence is not sufficient to establish whether loss-of-function variants in SPP2 cause disease.

Literature cited by the submitters: PubMed 16199547.